The following is an entry in ClinVar:

ClinVar aggregate classification (germline): Uncertain significance. Review status: criteria provided, multiple submitters, no conflicts (2 of 4 stars). 3 submissions from 3 submitters: Uncertain significance (3). Last evaluated 2026-08-01.

Conditions:
Autosomal dominant hypocalcemia 1 (HYPOC1). Also called: HYPOCALCEMIA, FAMILIAL. Identifiers: MedGen C3715128, MONDO:0011013, OMIM 601198.
Familial hypocalciuric hypercalcemia (FHH). Also called: Familial benign hypercalcemia. Identifiers: Orphanet 405, MedGen C1809471, MONDO:0018458.
Nephrolithiasis/nephrocalcinosis. Identifiers: MedGen CN580796.

Submissions (3):

CeGaT Center for Human Genetics Tuebingen
Classification: Uncertain significance. Last evaluated: 2026-08-01. Review status: criteria provided, single submitter. Criteria: CeGaT Center For Human Genetics Tuebingen Variant Classification Criteria Version 2. Collection method: clinical testing. Allele origin: germline. Affected: yes. Observed: 1 variant allele.
Comment: CASR: PM2

Labcorp Genetics (formerly Invitae), Labcorp
Classification: Uncertain significance for Familial hypocalciuric hypercalcemia; Autosomal dominant hypocalcemia 1. Last evaluated: 2024-04-24. Review status: criteria provided, single submitter. Criteria: Invitae Variant Classification Sherloc (09022015). Collection method: clinical testing. Allele origin: germline.
Comment: This sequence change replaces valine, which is neutral and non-polar, with glutamic acid, which is acidic and polar, at codon 313 of the CASR protein (p.Val313Glu). This variant is not present in population databases (gnomAD no frequency). This variant has not been reported in the literature in individuals affected with CASR-related conditions. An algorithm developed to predict the effect of missense changes on protein structure and function (PolyPhen-2) suggests that this variant is likely to be disruptive. In summary, the available evidence is currently insufficient to determine the role of this variant in disease. Therefore, it has been classified as a Variant of Uncertain Significance.

Ambry Genetics
Classification: Uncertain significance for Nephrolithiasis/nephrocalcinosis. Last evaluated: 2023-04-16. Review status: criteria provided, single submitter. Criteria: Ambry Variant Classification Scheme 2023. Collection method: clinical testing. Allele origin: germline.
Comment: The p.V313E variant (also known as c.938T>A), located in coding exon 3 of the CASR gene, results from a T to A substitution at nucleotide position 938. The valine at codon 313 is replaced by glutamic acid, an amino acid with dissimilar properties. This amino acid position is conserved. In addition, this alteration is predicted to be deleterious by in silico analysis. Since supporting evidence is limited at this time, the clinical significance of this alteration remains unclear.

NM_000388.4(CASR):c.938T>A (p.Val313Glu)

Gene: CASR (calcium sensing receptor; plus strand). Cytogenetic location: 3q21.1.
Variant type: single nucleotide variant.
Coding change: c.938T>A on transcript NM_000388.4 (MANE Select); coding-DNA position 938, T replaced by A.
Protein change: p.Val313Glu; replaces valine 313 with glutamic acid.
Molecular consequence: missense variant.
Genome position (GRCh38, 1-based): chr3:122,261,973, T>A. VCF-style: chr3-122261973-T-A. GRCh37 (hg19) VCF-style: chr3-121980820-T-A.
Other names: c.938T>A (NM_000388.3); c.938T>A, p.Val313Glu (NM_001178065.2); short protein forms V313E.
Identifiers: ClinVar variation 2929926 (VCV002929926.5), dbSNP rs2473227301, ClinGen allele CA354151680.